The following is an entry in ClinVar:

ClinVar aggregate classification (germline): Conflicting classifications of pathogenicity. Review status: criteria provided, conflicting classifications (1 of 4 stars). 2 submissions from 2 submitters: Pathogenic (1); Uncertain significance (1). Last evaluated 2025-06-17.

Conditions:
Progressive sensorineural hearing impairment. Identifiers: MedGen C1843156, HP:0000408.

Allele frequency attached by ClinVar (database versions not stated): gnomAD exomes 0.00002; ExAC 0.00002; TOPMed 0.00003; gnomAD 0.00001.
gnomAD v4.1: 44 of 1,613,404 alleles (0.0027%); highest among the groups gnomAD compares: Admixed American, 0.0067%; no homozygotes.

Submissions (2):

Dasa
Classification: Uncertain significance. Last evaluated: 2025-06-17. Review status: criteria provided, single submitter. Criteria: DASA Assertion Criteria. Collection method: clinical testing. Allele origin: germline.
Comment: NM_001937.5(DPT):c.544C>T (p.Arg182Cys) is a missense variant that results in the substitution of arginine with cysteine. This variant has been reported in individuals with DPT-related disorders (PMID: 27876815). Also, this variant is rare in population databases. Computational prediction algorithms are consistent with a deleterious effect. The currently available literature and clinical evidence are not sufficient to establish a definitive association between this variant and the reported condition. Therefore, this variant is classified as a variant of uncertain significance.

Otology & Neurotology- Genomics of vestibular disorders (CTS-495), Jose Antonio López Escámez, Centro Pfizer - Universidad de Granada - Junta de Andalucía de Genómica e Investigación Oncológica (GENYO)
Classification: Pathogenic for Progressive sensorineural hearing impairment. Last evaluated: 2016-03-01. Review status: criteria provided, single submitter. Criteria: Martin-Sierra et al. (Eur J Hum Genet. 2017). Collection method: research. Allele origin: inherited. Affected: yes. Observed: 8 variant alleles.

Literature cited by the submitters: PubMed 27876815 (cited by Dasa).

NM_001937.5(DPT):c.544C>T (p.Arg182Cys)

Gene: DPT (dermatopontin; minus strand). Cytogenetic location: 1q24.2.
Variant type: single nucleotide variant.
Coding change: c.544C>T on transcript NM_001937.5 (MANE Select); coding-DNA position 544, C replaced by T.
Protein change: p.Arg182Cys; replaces arginine 182 with cysteine.
Molecular consequence: missense variant.
Genome position (GRCh38, 1-based): chr1:168,696,611, G>A on the plus strand (C>T on the coding strand, the complement: DPT is on the minus strand). VCF-style: chr1-168696611-G-A. GRCh37 (hg19) VCF-style: chr1-168665849-G-A.
Other names: short protein forms R182C.
Identifiers: ClinVar variation 224834 (VCV000224834.4), dbSNP rs748718975, ClinGen allele CA1231230.